The following is an entry in ClinVar:

NM_015874.6(RBPJ):c.771G>T (p.Gln257His)

Gene: RBPJ (recombination signal binding protein for immunoglobulin kappa J region; plus strand). Cytogenetic location: 4p15.2.
Variant type: single nucleotide variant.
Coding change: c.771G>T on transcript NM_015874.6 (MANE Select); coding-DNA position 771, G replaced by T.
Protein change: p.Gln257His; replaces glutamine 257 with histidine.
Molecular consequence: missense variant.
Genome position (GRCh38, 1-based): chr4:26,428,743, G>T. VCF-style: chr4-26428743-G-T. GRCh37 (hg19) VCF-style: chr4-26430365-G-T.
Other names: c.705G>T, p.Gln235His (NM_001363577.2, NM_203283.5); c.810G>T, p.Gln270His (NM_001374400.1, NM_001379408.1, NM_005349.4); c.768G>T, p.Gln256His (NM_001374401.1, NM_001374402.1, NM_001374403.1 and 3 more transcripts); c.765G>T, p.Gln255His (NM_001379409.1); short protein forms Q235H, Q255H, Q256H, Q257H, Q270H.
Identifiers: ClinVar variation 3898012 (VCV003898012.1).

ClinVar aggregate classification (germline): Uncertain significance (1 of 4 stars; one submission).

Conditions:
Adams-Oliver syndrome 3 (AOS3). Identifiers: Orphanet 974, MedGen C3553748, MONDO:0013895, OMIM 614814.

Submission:

Neuberg Centre For Genomic Medicine, NCGM
Classification: Uncertain significance for Adams-Oliver syndrome 3. Last evaluated: 2024-02-01. Review status: criteria provided, single submitter. Criteria: ACMG Guidelines, 2015. Collection method: clinical testing. Allele origin: germline. Inheritance: Autosomal dominant inheritance.
Comment: The above variant has not been reported previously as a pathogenic variant nor as a benign variant, to our knowledge. For these reasons, this variant has been classified as Variant of Uncertain Significance (VUS).